The following is an entry in ClinVar:

NM_000298.6(PKLR):c.1070T>A (p.Ile357Asn)

Gene: PKLR (pyruvate kinase L/R; minus strand). Cytogenetic location: 1q22.
Variant type: single nucleotide variant.
Coding change: c.1070T>A on transcript NM_000298.6 (MANE Select); coding-DNA position 1070, T replaced by A.
Protein change: p.Ile357Asn; replaces isoleucine 357 with asparagine.
Molecular consequence: missense variant.
Genome position (GRCh38, 1-based): chr1:155,294,281, A>T on the plus strand (T>A on the coding strand, the complement: PKLR is on the minus strand). VCF-style: chr1-155294281-A-T. GRCh37 (hg19) VCF-style: chr1-155264072-A-T.
Other names: c.977T>A, p.Ile326Asn (NM_181871.4); short protein forms I326N, I357N.
Identifiers: ClinVar variation 2581420 (VCV002581420.2), dbSNP rs779152555, ClinGen allele CA30902862.
Genomic context (GRCh38, chr1:155,294,281, plus strand): 5'-GCCTCACTCCAGACCTGTGTGGCACAGACAACAGGCTTGCCCGCCAAGTTGCAGCGCCCA[A>T]TCATCATCTTCTGAGCCAGGAAAACCTTCTCTGCTGGGATCTCGATGCCTAGGTCCCCCC-3'
Protein context (NP_000289.1, residues 347-367): EKVFLAQKMM[Ile357Asn]GRCNLAGKPV

ClinVar aggregate classification (germline): Uncertain significance. Review status: criteria provided, multiple submitters, no conflicts (2 of 4 stars). 2 submissions from 2 submitters: Uncertain significance (2). Last evaluated 2023-08-29.

Submissions (2):

Women's Health and Genetics/Laboratory Corporation of America, LabCorp
Classification: Uncertain significance. Last evaluated: 2023-08-29. Review status: criteria provided, single submitter. Criteria: LabCorp Variant Classification Summary - May 2015. Collection method: clinical testing. Allele origin: germline.
Comment: Variant summary: PKLR c.1070T>A (p.Ile357Asn) results in a non-conservative amino acid change located in the Pyruvate kinase, barrel domain (IPR015793) of the encoded protein sequence. Five of five in-silico tools predict a damaging effect of the variant on protein function. The variant was absent in 251456 control chromosomes. The available data on variant occurrences in the general population are insufficient to allow any conclusion about variant significance. This variant was observed as a homozygous genotype in at-least one individual with hemolytic anemia at our laboratory. However, supporting RBC Pyruvate Kinase activity, clinical and/or hematological parameters were unavailable. To our knowledge, no occurrence of c.1070T>A in individuals affected with Pyruvate Kinase Deficiency Of Red Cells and no experimental evidence demonstrating its impact on protein function have been reported. A different nucleotide change c.1070T>C (p.Ile357Thr) has been reported as a presumed compound heterozygous genotype in at-least one individual with Pyruvate Kinase deficiency (Zarza_1998, PMID: 9827908). However, this report does not substantiate a pathogenic/likely pathogenic outcome attributed to variation at this codon. No submitters have cited clinical-significance assessments for this variant to ClinVar after 2014. Based on the evidence outlined above, the variant was classified as uncertain significance.

GeneDx
Classification: Uncertain significance. Last evaluated: 2023-07-02. Review status: criteria provided, single submitter. Criteria: GeneDx Variant Classification Process June 2021. Collection method: clinical testing. Allele origin: germline. Affected: yes.
Comment: Not observed at significant frequency in large population cohorts (gnomAD); In silico analysis supports that this missense variant has a deleterious effect on protein structure/function; Has not been previously published as pathogenic or benign to our knowledge